The following is an entry in ClinVar:

ClinVar aggregate classification (germline): Uncertain significance (1 of 4 stars; one submission).

gnomAD v4.1: 19 of 1,613,944 alleles (0.0012%); highest among the groups gnomAD compares: African/African-American, 0.004%; no homozygotes.

Submission:

Labcorp Genetics (formerly Invitae), Labcorp
Classification: Uncertain significance. Last evaluated: 2023-10-13. Review status: criteria provided, single submitter. Criteria: Invitae Variant Classification Sherloc (09022015). Collection method: clinical testing. Allele origin: germline.
Comment: This sequence change replaces alanine, which is neutral and non-polar, with threonine, which is neutral and polar, at codon 474 of the MTHFD1 protein (p.Ala474Thr). This variant is present in population databases (no rsID available, gnomAD 0.01%). This variant has not been reported in the literature in individuals affected with MTHFD1-related conditions. ClinVar contains an entry for this variant (Variation ID: 1962556). An algorithm developed to predict the effect of missense changes on protein structure and function (PolyPhen-2) suggests that this variant is likely to be disruptive. In summary, the available evidence is currently insufficient to determine the role of this variant in disease. Therefore, it has been classified as a Variant of Uncertain Significance.

NM_005956.4(MTHFD1):c.1420G>A (p.Ala474Thr)

Gene: MTHFD1 (methylenetetrahydrofolate dehydrogenase, cyclohydrolase and formyltetrahydrofolate synthetase 1; plus strand). Cytogenetic location: 14q23.3.
Variant type: single nucleotide variant.
Coding change: c.1420G>A on transcript NM_005956.4 (MANE Select); coding-DNA position 1420, G replaced by A.
Protein change: p.Ala474Thr; replaces alanine 474 with threonine.
Molecular consequence: missense variant.
Genome position (GRCh38, 1-based): chr14:64,431,787, G>A. VCF-style: chr14-64431787-G-A. GRCh37 (hg19) VCF-style: chr14-64898505-G-A.
Other names: c.1420G>A, p.Ala474Thr (NM_001364837.1); short protein forms A474T.
Identifiers: ClinVar variation 1962556 (VCV001962556.5), dbSNP rs768985677, ClinGen allele CA261841658.